The following is an entry in ClinVar:

NM_001101426.4(CRPPA):c.716_719del (p.Glu239fs)

Gene: CRPPA (CDP-L-ribitol pyrophosphorylase A; minus strand). Cytogenetic location: 7p21.2.
Variant type: Deletion.
Coding change: c.716_719del on transcript NM_001101426.4 (MANE Select); coding-DNA positions 716 to 719, 4 bases deleted (AGTG; older notation c.716_719delAGTG).
Protein change: p.Glu239fs; shifts the reading frame from glutamic acid 239.
Molecular consequence: frameshift variant. On other transcripts: intron variant (1).
Genome position (GRCh38, 1-based): chr7:16,308,593-16,308,596, CACT deleted on the plus strand (AGTG on the coding strand, the reverse complement: CRPPA is on the minus strand); deleting any 4 consecutive bases within chr7:16,308,593-16,308,598 gives the same sequence; the c. name uses the placement nearest the transcript's 3' end. VCF-style (leftmost placement, unchanged base first): chr7-16308592-ACACT-A. GRCh37 (hg19) VCF-style: chr7-16348217-ACACT-A.
Other names: c.566_569del, p.Glu189fs (NM_001101417.4); c.685-7130_685-7127del (NM_001368197.1); short protein forms E189fs, E239fs.
Identifiers: ClinVar variation 3759109 (VCV003759109.2).

ClinVar aggregate classification (germline): Pathogenic (1 of 4 stars; one submission).

Conditions:
Muscular dystrophy-dystroglycanopathy (congenital with brain and eye anomalies), type A, 7. Also called: WALKER-WARBURG SYNDROME OR MUSCLE-EYE-BRAIN DISEASE, ISPD-RELATED; Congenital muscular dystrophy-dystroglycanopathy with brain and eye anomalies, type A7. Identifiers: Orphanet 899, MedGen C3553330, MONDO:0013835, OMIM 614643.
Autosomal recessive limb-girdle muscular dystrophy type 2U. Also called: Muscular dystrophy-dystroglycanopathy (limb-girdle), type c, 7; MUSCULAR DYSTROPHY, LIMB-GIRDLE, TYPE 2U. Identifiers: Orphanet 352479, MedGen C5190987, MONDO:0014474, OMIM 616052.

Submission:

Labcorp Genetics (formerly Invitae), Labcorp
Classification: Pathogenic for Muscular dystrophy-dystroglycanopathy (congenital with brain and eye anomalies), type A, 7; Autosomal recessive limb-girdle muscular dystrophy type 2U. Last evaluated: 2024-02-16. Review status: criteria provided, single submitter. Criteria: Invitae Variant Classification Sherloc (09022015). Collection method: clinical testing. Allele origin: germline.
Comment: This sequence change creates a premature translational stop signal (p.Glu239Valfs*6) in the ISPD gene. It is expected to result in an absent or disrupted protein product. Loss-of-function variants in ISPD are known to be pathogenic (PMID: 23288328). This variant is present in population databases (rs756994946, gnomAD 0.003%). This premature translational stop signal has been observed in individual(s) with Walker-Warburg syndrome (PMID: 28688748). Algorithms developed to predict the effect of sequence changes on RNA splicing suggest that this variant may disrupt the consensus splice site. For these reasons, this variant has been classified as Pathogenic.

Literature cited by the submitters: PubMed 23288328; PubMed 28688748.